The following is an entry in ClinVar:

ClinVar aggregate classification (germline): Uncertain significance (1 of 4 stars; one submission).

Conditions:
Familial thoracic aortic aneurysm and aortic dissection (TAAD). Also called: Thoracic aortic aneurysms and dissections. Identifiers: Orphanet 91387, MedGen C4707243, MONDO:0019625.
Hereditary cancer-predisposing syndrome. Also called: Neoplastic Syndromes, Hereditary; Tumor predisposition; Hereditary Cancer Syndrome; Hereditary neoplastic syndrome. Identifiers: Orphanet 140162, MedGen C0027672, MeSH D009386, MONDO:0015356.

gnomAD v4.1: 1 of 1,614,050 alleles (0.000062%); highest among the groups gnomAD compares: Non-Finnish European, 0.000085%; no homozygotes.

Submission:

Ambry Genetics
Classification: Uncertain significance for Hereditary cancer-predisposing syndrome; Familial thoracic aortic aneurysm and aortic dissection. Last evaluated: 2025-08-25. Review status: criteria provided, single submitter. Criteria: Ambry Variant Classification Scheme 2023. Collection method: clinical testing. Allele origin: germline.
Comment: The p.Y276H variant (also known as c.826T>C), located in coding exon 6 of the SMAD4 gene, results from a T to C substitution at nucleotide position 826. The tyrosine at codon 276 is replaced by histidine, an amino acid with similar properties. This amino acid position is conserved. In addition, this alteration is predicted to be tolerated by in silico analysis. Based on the available evidence, the clinical significance of this variant remains unclear.

NM_005359.6(SMAD4):c.826T>C (p.Tyr276His)

Gene: SMAD4 (SMAD family member 4; plus strand). Cytogenetic location: 18q21.2.
Variant type: single nucleotide variant.
Coding change: c.826T>C on transcript NM_005359.6 (MANE Select); coding-DNA position 826, T replaced by C.
Protein change: p.Tyr276His; replaces tyrosine 276 with histidine.
Molecular consequence: missense variant. On other transcripts: non-coding transcript variant (2).
Genome position (GRCh38, 1-based): chr18:51,058,378, T>C. VCF-style: chr18-51058378-T-C. GRCh37 (hg19) VCF-style: chr18-48584748-T-C.
Other names: c.826T>C, p.Tyr276His (NM_001407041.1, NM_001407042.1, NM_001407043.1); short protein forms Y276H.
Identifiers: ClinVar variation 4170052 (VCV004170052.1).